The following is an entry in ClinVar:

ClinVar aggregate classification (germline): Uncertain significance. Review status: criteria provided, multiple submitters, no conflicts (2 of 4 stars). 9 submissions from 9 submitters: Uncertain significance (8). 1 of the submissions does not count toward it. Last evaluated 2026-06-01.

Conditions:
von Willebrand disease type 2 (VWD2). Also called: VON WILLEBRAND DISEASE, TYPE II; VWD, TYPE 2; VON WILLEBRAND DISEASE, TYPE 2A/IIE; VON WILLEBRAND DISEASE, TYPE 2CB. Identifiers: Orphanet 166081, Orphanet 903, MedGen C1264040, MONDO:0013304, OMIM 613554.
Hereditary von Willebrand disease. Identifiers: Orphanet 903, MedGen C5703318, MONDO:0019565. Inheritance: Autosomal recessive or Autosomal dominant.

Allele frequency attached by ClinVar (database versions not stated): gnomAD exomes 0.00009 and 0.00010; ExAC 0.00010; gnomAD 0.00014 and 0.00016; ESP Exome Variant Server 0.00015; TOPMed 0.00015.
gnomAD v4.1: 163 of 1,613,778 alleles (0.01%); highest among the groups gnomAD compares: Middle Eastern, 0.033%; no homozygotes.

Submissions (9):

CeGaT Center for Human Genetics Tuebingen
Classification: Uncertain significance. Last evaluated: 2026-06-01. Review status: criteria provided, single submitter. Criteria: CeGaT Center For Human Genetics Tuebingen Variant Classification Criteria Version 2. Collection method: clinical testing. Allele origin: germline. Affected: yes. Observed: 1 variant allele.
Comment: VWF: PP4:Moderate, PS4:Supporting

Women's Health and Genetics/Laboratory Corporation of America, LabCorp
Classification: Uncertain significance. Last evaluated: 2025-07-24. Review status: criteria provided, single submitter. Criteria: LabCorp Variant Classification Summary - May 2015. Collection method: clinical testing. Allele origin: germline.
Comment: Variant summary: VWF c.4027A>G (p.Ile1343Val) results in a conservative amino acid change located in the von Willebrand factor, type A domain (IPR002035) of the encoded protein sequence. Algorithms developed to predict the effect of missense changes on protein structure and function all suggest that this variant is likely to be tolerated. The variant allele was found at a frequency of 9.6e-05 in 250752 control chromosomes. This frequency is not significantly higher than estimated for a pathogenic variant in VWF causing Von Willebrand Disease, allowing no conclusion about variant significance. c.4027A>G has been reported in the literature in individuals affected with Von Willebrand Disease, however it is often reported together with multiple other missense variants (phase not specified) and in some cases has been found as part of a gene conversion between VWF and its pseudogene (e.g. Kakela_2006, Bowman_2013, Downes_2019, Lago_2021, Christopherson_2022, Seidizadeh_2022, Baronciani_2021, Lapic_2022). These report(s) do not provide unequivocal conclusions about association of the variant with Von Willebrand Disease. To our knowledge, no experimental evidence demonstrating an impact on protein function has been reported. The following publications have been ascertained in the context of this evaluation (PMID: 31064749, 16321553, 23311757, 35343054, 34828413, 34351388, 35505650, 35452508). ClinVar contains an entry for this variant (Variation ID: 100319). Based on the evidence outlined above, the variant was classified as uncertain significance.

Laboratory of Genetics, Children's Clinical University Hospital Latvia
Classification: Uncertain significance. Last evaluated: 2025-02-16. Review status: criteria provided, single submitter. Criteria: ACMG Guidelines, 2015. Collection method: clinical testing. Allele origin: germline. Affected: yes.

Quest Diagnostics Nichols Institute San Juan Capistrano
Classification: Uncertain significance. Last evaluated: 2024-06-10. Review status: criteria provided, single submitter. Criteria: Quest Diagnostics criteria. Collection method: clinical testing. Allele origin: unknown.
Comment: The VWF c.4027A>G (p.Ile1343Val) variant has been reported in the published literature in individuals with type 2M (PMID: 16321553 (2006)) and type 2A (PMID: 34828413 (2021)) von Willebrand Disease (VWD). This variant is one of multiple variants that is known to occur as part of a gene conversion event between the normal VWF gene and its pseudogene, resulting in individuals with severe type 3 VWD (PMIDs: 33556167 (2021), 31532876 (2019), 23311757 (2013), 16115133 (2005)). The frequency of this variant in the general population, 0.00024 (6/24912 chromosomes (Genome Aggregation Database)), is uninformative in the assessment of its pathogenicity. Analysis of this variant using bioinformatics tools (i.e., MutationTaster and PolyPhen-2) for the prediction of the effect of amino acid changes on protein structure and function yielded predictions that this variant is benign.

Blueprint Genetics
Classification: Uncertain significance. Last evaluated: 2024-04-17. Review status: criteria provided, single submitter. Criteria: ACMG Guidelines, 2015. Collection method: clinical testing. Allele origin: germline.

ARUP Laboratories, Molecular Genetics and Genomics, ARUP Laboratories
Classification: Uncertain significance. Last evaluated: 2023-09-01. Review status: criteria provided, single submitter. Criteria: ARUP Molecular Germline Variant Investigation Process 2024. Collection method: clinical testing. Allele origin: germline.
Comment: The VWF c.4027A>G; p.Ile1343Val variant (rs150923481) is reported in the literature in an individual with a bleeding disorder (Downes 2019), but has also been reported as part of a gene conversion between VWF and its pseudogene involving several base changes and a nonsense variant upstream (Bowman 2013, Corrales 2009). This variant is reported in ClinVar (Variation ID: 100319) and found in the general population with an overall allele frequency of 0.01% (30/282,120 alleles) in the Genome Aggregation Database. The isoleucine at codon 1343 is moderately conserved, but computational analyses are uncertain whether this variant is neutral or deleterious (REVEL: 0.453). Based on the available information, the clinical significance of the p.Ile1343Val variant is uncertain at this time. References: Bowman M et al. The genetics of Canadian type 3 von Willebrand disease: further evidence for co-dominant inheritance of mutant alleles. J Thromb Haemost. 2013 Mar;11(3):512-20. Corrales I et al. Rapid molecular diagnosis of von Willebrand disease by direct sequencing. Detection of 12 novel putative mutations in VWF gene. Thromb Haemost. 2009 Mar;101(3):570-6. Downes K et al. Diagnostic high-throughput sequencing of 2396 patients with bleeding, thrombotic, and platelet disorders. Blood. 2019 Dec 5;134(23):2082-2091.

Genetics and Molecular Pathology, SA Pathology
Classification: Uncertain significance for von Willebrand disease type 2. Last evaluated: 2020-09-23. Review status: criteria provided, single submitter. Criteria: ACMG Guidelines, 2015. Collection method: clinical testing. Allele origin: germline. Affected: yes.
Comment: The VWF c.4027A>G; p.Ile1343Val variant (rs150923481) is reported in the literature as part of a gene conversion between VWF and its pseudogene involving several base changes and a nonsense variant upstream (Bowman 2013, Corrales 2009). This variant is reported in ClinVar (Variation ID: 100319) and found in the general population with an overall allele frequency of 0.01% (29/276522 alleles) in the Genome Aggregation Database. The isoleucine at codon 1343 is moderately conserved, but computational analyses (SIFT, PolyPhen-2) predict that this variant is tolerated. Based on the available information, the clinical significance of the p.Ile1343Val variant is uncertain at this time.

NIHR Bioresource Rare Diseases, University of Cambridge
Classification: Uncertain significance for von Willebrand disorder. Last evaluated: 2019-02-01. Review status: criteria provided, single submitter. Criteria: ACMG Guidelines, 2015. Collection method: research. Allele origin: unknown. Affected: yes. Observed: 1 heterozygote. Study: ThromboGenomics.

Academic Unit of Haematology, University of Sheffield
No classification provided. Review status: no classification provided. Collection method: not provided. Allele origin: not provided. Not counted in ClinVar's aggregate classification.

Literature cited by the submitters: PubMed 31064749 (cited by 3 submitters); PubMed 16321553 (cited by Women's Health and Genetics/Laboratory Corporation of America, LabCorp and Quest Diagnostics Nichols Institute San Juan Capistrano); PubMed 23311757 (cited by Women's Health and Genetics/Laboratory Corporation of America, LabCorp and Quest Diagnostics Nichols Institute San Juan Capistrano); PubMed 35505650 (cited by Women's Health and Genetics/Laboratory Corporation of America, LabCorp); PubMed 35343054 (cited by Women's Health and Genetics/Laboratory Corporation of America, LabCorp and Quest Diagnostics Nichols Institute San Juan Capistrano); PubMed 34828413 (cited by Women's Health and Genetics/Laboratory Corporation of America, LabCorp and Quest Diagnostics Nichols Institute San Juan Capistrano); PubMed 34351388 (cited by Women's Health and Genetics/Laboratory Corporation of America, LabCorp); PubMed 35452508 (cited by Women's Health and Genetics/Laboratory Corporation of America, LabCorp); PubMed 16115133 (cited by Quest Diagnostics Nichols Institute San Juan Capistrano); PubMed 33556167 (cited by Quest Diagnostics Nichols Institute San Juan Capistrano); PubMed 31532876 (cited by Quest Diagnostics Nichols Institute San Juan Capistrano).

NM_000552.5(VWF):c.4027A>G (p.Ile1343Val)

Gene: VWF (von Willebrand factor; minus strand). Cytogenetic location: 12p13.31.
Variant type: single nucleotide variant.
Coding change: c.4027A>G on transcript NM_000552.5 (MANE Select); coding-DNA position 4027, A replaced by G.
Protein change: p.Ile1343Val; replaces isoleucine 1343 with valine.
Molecular consequence: missense variant.
Genome position (GRCh38, 1-based): chr12:6,019,391, T>C on the plus strand (A>G on the coding strand, the complement: VWF is on the minus strand). VCF-style: chr12-6019391-T-C. GRCh37 (hg19) VCF-style: chr12-6128557-T-C.
Other names: short protein forms I1343V.
Identifiers: ClinVar variation 100319 (VCV000100319.22), dbSNP rs150923481, ClinGen allele CA228520.
Genomic context (GRCh38, chr12:6,019,391, plus strand): 5'-ATTTCAAGACCTCGCTGGTGGAGGCCACCTGGCTGCCCGCATACTTCACCTGGCTGGCAA[T>C]GCGCCGCAGCTCTGACGGTCGCTTCCGGTCCTTGAGCCCGATGTAGGCGTGGGAGCCGTC-3'
Protein context (NP_000543.3, residues 1333-1353): DRKRPSELRR[Ile1343Val]ASQVKYAGSQ